The following is an entry in ClinVar:

ClinVar aggregate classification (germline): Likely benign. Review status: criteria provided, single submitter (1 of 4 stars). 2 submissions from 2 submitters: Likely benign (1). 1 of the submissions does not count toward it. Last evaluated 2026-01-06.

Conditions:
Candidiasis, familial, 8 (CANDF8). Identifiers: Orphanet 1334, MedGen C3714992, MONDO:0014230, OMIM 615527.
TRAF3IP2-related disorder. Also called: TRAF3IP2-related condition.

Allele frequency attached by ClinVar (database versions not stated): ESP Exome Variant Server 0.00008.
gnomAD v4.1: 61 of 1,485,444 alleles (0.0041%); highest among the groups gnomAD compares: East Asian, 0.014%; no homozygotes.

Submissions (2):

Labcorp Genetics (formerly Invitae), Labcorp
Classification: Likely benign for Candidiasis, familial, 8. Last evaluated: 2026-01-06. Review status: criteria provided, single submitter. Criteria: Invitae Variant Classification Sherloc (09022015). Collection method: clinical testing. Allele origin: germline.

PreventionGenetics, part of Exact Sciences
Classification: Likely benign for TRAF3IP2-related condition. Last evaluated: 2023-11-30. Review status: no assertion criteria provided. Collection method: clinical testing. Allele origin: germline. Not counted in ClinVar's aggregate classification.
Comment: This variant is classified as likely benign based on ACMG/AMP sequence variant interpretation guidelines (Richards et al. 2015 PMID: 25741868, with internal and published modifications).

NM_147686.4(TRAF3IP2):c.813C>T (p.Pro271=)

Genes: TRAF3IP2 (TRAF3 interacting protein 2; minus strand), TRAF3IP2-AS1 (TRAF3IP2 antisense RNA 1; plus strand), LOC114803478 (TRAF3IP2 eExon liver enhancer; plus strand). Cytogenetic location: 6q21.
Variant type: single nucleotide variant.
Coding change: c.813C>T on transcript NM_147686.4 (MANE Select); coding-DNA position 813, C replaced by T.
Protein change: p.Pro271=; no amino-acid change (proline 271 retained).
Molecular consequence: synonymous variant.
Genome position (GRCh38, 1-based): chr6:111,591,274, G>A on the plus strand (C>T on the coding strand, the complement: TRAF3IP2 is on the minus strand). VCF-style: chr6-111591274-G-A. GRCh37 (hg19) VCF-style: chr6-111912477-G-A.
Other names: c.813C>T (NM_147686.3); c.813C>T, p.Pro271= (NM_001164281.3); c.840C>T, p.Pro280= (NM_147200.3).
Identifiers: ClinVar variation 1106655 (VCV001106655.11), dbSNP rs370730037, ClinGen allele CA3963258.